The following is an entry in ClinVar:

ClinVar aggregate classification (germline): Uncertain significance. Review status: criteria provided, multiple submitters, no conflicts (2 of 4 stars). 2 submissions from 2 submitters: Uncertain significance (2). Last evaluated 2025-11-26.

Conditions:
PHGDH deficiency. Identifiers: Orphanet 79351, MedGen C1866174, MONDO:0011152, OMIM 601815.
Inborn genetic diseases. Identifiers: MedGen C0950123, MeSH D030342.

Allele frequency attached by ClinVar (database versions not stated): gnomAD 0.00002; TOPMed 0.00002.

Submissions (2):

Ambry Genetics
Classification: Uncertain significance for Inborn genetic diseases. Last evaluated: 2025-11-26. Review status: criteria provided, single submitter. Criteria: Ambry Variant Classification Scheme 2023. Collection method: clinical testing. Allele origin: germline.

Labcorp Genetics (formerly Invitae), Labcorp
Classification: Uncertain significance for PHGDH deficiency. Last evaluated: 2025-04-07. Review status: criteria provided, single submitter. Criteria: Invitae Variant Classification Sherloc (09022015). Collection method: clinical testing. Allele origin: germline.
Comment: This sequence change replaces arginine, which is basic and polar, with glutamine, which is neutral and polar, at codon 268 of the PHGDH protein (p.Arg268Gln). The frequency data for this variant in the population databases is considered unreliable, as metrics indicate poor data quality at this position in the gnomAD database. This variant has not been reported in the literature in individuals affected with PHGDH-related conditions. ClinVar contains an entry for this variant (Variation ID: 2189557). Invitae Evidence Modeling of protein sequence and biophysical properties (such as structural, functional, and spatial information, amino acid conservation, physicochemical variation, residue mobility, and thermodynamic stability) has been performed for this missense variant. However, the output from this modeling did not meet the statistical confidence thresholds required to predict the impact of this variant on PHGDH protein function. In summary, the available evidence is currently insufficient to determine the role of this variant in disease. Therefore, it has been classified as a Variant of Uncertain Significance.

NM_006623.4(PHGDH):c.803G>A (p.Arg268Gln)

Gene: PHGDH (phosphoglycerate dehydrogenase; plus strand). Cytogenetic location: 1p12.
Variant type: single nucleotide variant.
Coding change: c.803G>A on transcript NM_006623.4 (MANE Select); coding-DNA position 803, G replaced by A.
Protein change: p.Arg268Gln; replaces arginine 268 with glutamine.
Molecular consequence: missense variant.
Genome position (GRCh38, 1-based): chr1:119,737,124, G>A. VCF-style: chr1-119737124-G-A. GRCh37 (hg19) VCF-style: chr1-120279747-G-A.
Other names: c.803G>A (NM_006623.3); short protein forms R268Q.
Identifiers: ClinVar variation 2189557 (VCV002189557.3), dbSNP rs1315761986, ClinGen allele CA341851092.